The following is an entry in ClinVar:

NM_001365999.1(SZT2):c.6077C>A (p.Ala2026Glu)

Gene: SZT2 (SZT2 subunit of KICSTOR complex; plus strand). Cytogenetic location: 1p34.2.
Variant type: single nucleotide variant.
Coding change: c.6077C>A on transcript NM_001365999.1 (MANE Select); coding-DNA position 6077, C replaced by A.
Protein change: p.Ala2026Glu; replaces alanine 2026 with glutamic acid.
Molecular consequence: missense variant.
Genome position (GRCh38, 1-based): chr1:43,437,213, C>A. VCF-style: chr1-43437213-C-A. GRCh37 (hg19) VCF-style: chr1-43902884-C-A.
Other names: c.5906C>A, p.Ala1969Glu (NM_015284.4); short protein forms A1969E, A2026E.
Identifiers: ClinVar variation 586767 (VCV000586767.44), dbSNP rs140427193, ClinGen allele CA809795.

ClinVar aggregate classification (germline): Conflicting classifications of pathogenicity. Review status: criteria provided, conflicting classifications (1 of 4 stars). 6 submissions from 6 submitters: Uncertain significance (5); Likely benign (1). Last evaluated 2024-01-15.

Conditions:
Inborn genetic diseases. Identifiers: MedGen C0950123, MeSH D030342.

Allele frequency attached by ClinVar (database versions not stated): ExAC 0.00009; gnomAD exomes 0.00004 and 0.00009; ESP Exome Variant Server 0.00023; gnomAD 0.00036 and 0.00039; 1000 Genomes Project 0.00040; TOPMed 0.00045; 1000 Genomes Project 30x 0.00047.
gnomAD v4.1: 124 of 1,614,166 alleles (0.0077%); highest among the groups gnomAD compares: African/African-American, 0.14%; no homozygotes.

Submissions (6):

Labcorp Genetics (formerly Invitae), Labcorp
Classification: Uncertain significance. Last evaluated: 2024-01-15. Review status: criteria provided, single submitter. Criteria: Invitae Variant Classification Sherloc (09022015). Collection method: clinical testing. Allele origin: germline.
Comment: This sequence change replaces alanine, which is neutral and non-polar, with glutamic acid, which is acidic and polar, at codon 1969 of the SZT2 protein (p.Ala1969Glu). This variant is present in population databases (rs140427193, gnomAD 0.1%). This variant has not been reported in the literature in individuals affected with SZT2-related conditions. ClinVar contains an entry for this variant (Variation ID: 586767). Advanced modeling of protein sequence and biophysical properties (such as structural, functional, and spatial information, amino acid conservation, physicochemical variation, residue mobility, and thermodynamic stability) performed at Invitae indicates that this missense variant is not expected to disrupt SZT2 protein function with a negative predictive value of 80%. In summary, the available evidence is currently insufficient to determine the role of this variant in disease. Therefore, it has been classified as a Variant of Uncertain Significance.

CeGaT Center for Human Genetics Tuebingen
Classification: Uncertain significance. Last evaluated: 2023-07-01. Review status: criteria provided, single submitter. Criteria: CeGaT Center For Human Genetics Tuebingen Variant Classification Criteria Version 2. Collection method: clinical testing. Allele origin: germline. Affected: yes. Observed: 1 variant allele.

Ambry Genetics
Classification: Uncertain significance for Inborn genetic diseases. Last evaluated: 2021-10-12. Review status: criteria provided, single submitter. Criteria: Ambry Variant Classification Scheme 2023. Collection method: clinical testing. Allele origin: germline.

Mayo Clinic Laboratories, Mayo Clinic
Classification: Uncertain significance. Last evaluated: 2021-01-05. Review status: criteria provided, single submitter. Criteria: ACMG Guidelines, 2015. Collection method: clinical testing. Allele origin: germline. Observed: 1 variant allele.

GeneDx
Classification: Likely benign. Last evaluated: 2019-06-25. Review status: criteria provided, single submitter. Criteria: GeneDx Variant Classification Process June 2021. Collection method: clinical testing. Allele origin: germline. Affected: yes.

Athena Diagnostics
Classification: Uncertain significance. Last evaluated: 2017-08-29. Review status: criteria provided, single submitter. Criteria: Athena Diagnostics Criteria. Collection method: clinical testing. Allele origin: germline.